The following is an entry in ClinVar:

NM_000540.3(RYR1):c.4935-11C>A

Gene: RYR1 (ryanodine receptor 1; plus strand). Cytogenetic location: 19q13.2.
Variant type: single nucleotide variant.
Coding change: c.4935-11C>A on transcript NM_000540.3 (MANE Select); 11 bases into the intron before coding-DNA position 4935, C replaced by A.
Molecular consequence: intron variant.
Genome position (GRCh38, 1-based): chr19:38,485,579, C>A. VCF-style: chr19-38485579-C-A. GRCh37 (hg19) VCF-style: chr19-38976219-C-A.
Other names: c.4935-11C>A (NM_001042723.2).
Identifiers: ClinVar variation 2895575 (VCV002895575.6), dbSNP rs374482643, ClinGen allele CA066523.

ClinVar aggregate classification (germline): Likely benign. Review status: criteria provided, multiple submitters, no conflicts (2 of 4 stars). 3 submissions from 3 submitters: Likely benign (3). Last evaluated 2025-11-23.

Conditions:
Malignant hyperthermia, susceptibility to, 1 (MHS1). Also called: Anesthesia related hyperthermia; Malignant hyperpyrexia; Fulminating hyperpyrexia; Pharmacogenic myopathy; RYR1-Related Malignant Hyperthermia Susceptibility; Malignant hyperthermia suceptibility 1. Identifiers: Orphanet 423, MedGen C2930980, MONDO:0007783, OMIM 145600.
RYR1-related disorder. Also called: RYR1-related disorders; RYR1-related condition. Identifiers: MedGen CN239331.

Allele frequency attached by ClinVar (database versions not stated): ExAC 0.00006; ESP Exome Variant Server 0.00008; gnomAD 0.00009.
gnomAD v4.1: 35 of 1,607,680 alleles (0.0022%); highest among the groups gnomAD compares: African/African-American, 0.031%; no homozygotes.

Submissions (3):

Labcorp Genetics (formerly Invitae), Labcorp
Classification: Likely benign for RYR1-related disorder. Last evaluated: 2025-11-23. Review status: criteria provided, single submitter. Criteria: Invitae Variant Classification Sherloc (09022015). Collection method: clinical testing. Allele origin: germline.

All of Us Research Program, National Institutes of Health
Classification: Likely benign for Malignant hyperthermia, susceptibility to, 1. Last evaluated: 2024-05-14. Review status: criteria provided, single submitter. Criteria: ACMG Guidelines, 2015. Collection method: clinical testing. Allele origin: germline. Inheritance: Autosomal dominant inheritance. Observed: 5 variant alleles, 5 heterozygotes.
Comment: This study involves interpretation of variants in research participants for the purpose of population health screening. Participant phenotype was not available at the time of variant classification. Additional details can be found in publication PMID: 35346344, PMCID: PMC8962531

Color Diagnostics, LLC DBA Color Health
Classification: Likely benign for Malignant hyperthermia, susceptibility to, 1. Last evaluated: 2024-02-22. Review status: criteria provided, single submitter. Criteria: ACMG Guidelines, 2015. Collection method: clinical testing. Allele origin: germline.